The following is an entry in ClinVar:

ClinVar aggregate classification (germline): Uncertain significance (1 of 4 stars; one submission).

Conditions:
Inborn genetic diseases. Identifiers: MedGen C0950123, MeSH D030342.

Submission:

Ambry Genetics
Classification: Uncertain significance for Inborn genetic diseases. Last evaluated: 2025-08-03. Review status: criteria provided, single submitter. Criteria: Ambry Variant Classification Scheme 2023. Collection method: clinical testing. Allele origin: germline.
Comment: The p.F1382I variant (also known as c.4144T>A), located in coding exon 29 of the ANKRD26 gene, results from a T to A substitution at nucleotide position 4144. The phenylalanine at codon 1382 is replaced by isoleucine, an amino acid with highly similar properties. This amino acid position is conserved. In addition, this alteration is predicted to be tolerated by in silico analysis. Based on the available evidence, the clinical significance of this variant remains unclear.

NM_014915.3(ANKRD26):c.4144T>A (p.Phe1382Ile)

Gene: ANKRD26 (ankyrin repeat domain containing 26; minus strand). Cytogenetic location: 10p12.1.
Variant type: single nucleotide variant.
Coding change: c.4144T>A on transcript NM_014915.3 (MANE Select); coding-DNA position 4144, T replaced by A.
Protein change: p.Phe1382Ile; replaces phenylalanine 1382 with isoleucine.
Molecular consequence: missense variant.
Genome position (GRCh38, 1-based): chr10:27,022,629, A>T on the plus strand (T>A on the coding strand, the complement: ANKRD26 is on the minus strand). VCF-style: chr10-27022629-A-T. GRCh37 (hg19) VCF-style: chr10-27311558-A-T.
Other names: c.4141T>A, p.Phe1381Ile (NM_001256053.2); short protein forms F1382I, F1381I.
Identifiers: ClinVar variation 4102528 (VCV004102528.1).